The following is an entry in ClinVar:

NM_032217.5(ANKRD17):c.1861G>A (p.Ala621Thr)

Gene: ANKRD17 (ankyrin repeat domain 17; minus strand). Cytogenetic location: 4q13.3.
Variant type: single nucleotide variant.
Coding change: c.1861G>A on transcript NM_032217.5 (MANE Select); coding-DNA position 1861, G replaced by A.
Protein change: p.Ala621Thr; replaces alanine 621 with threonine.
Molecular consequence: missense variant.
Genome position (GRCh38, 1-based): chr4:73,146,772, C>T on the plus strand (G>A on the coding strand, the complement: ANKRD17 is on the minus strand). VCF-style: chr4-73146772-C-T. GRCh37 (hg19) VCF-style: chr4-74012489-C-T.
Other names: c.1522G>A, p.Ala508Thr (NM_001286771.3); c.1861G>A, p.Ala621Thr (NM_015574.2, NM_198889.3); short protein forms A508T, A621T.
Identifiers: ClinVar variation 2688572 (VCV002688572.3), dbSNP rs745621090, ClinGen allele CA2958876.

ClinVar aggregate classification (germline): Uncertain significance. Review status: criteria provided, single submitter (1 of 4 stars). 2 submissions from 2 submitters: Uncertain significance (1). 1 of the submissions does not count toward it. Last evaluated 2023-06-19.

Conditions:
Chopra-Amiel-Gordon syndrome (CAGS). Also called: ANKRD17-Related Neurodevelopmental Syndrome. Identifiers: MedGen C5561975, MONDO:0859186, OMIM 619504.

Allele frequency attached by ClinVar (database versions not stated): ExAC 0.00001.
gnomAD v4.1: 15 of 1,603,524 alleles (0.00094%); highest among the groups gnomAD compares: Admixed American, 0.0067%; no homozygotes.

Submissions (2):

Revvity Omics, Revvity
Classification: Uncertain significance for Chopra-Amiel-Gordon syndrome. Last evaluated: 2023-06-19. Review status: criteria provided, single submitter. Criteria: ACMG Guidelines, 2015. Collection method: clinical testing. Allele origin: germline.

Hong-Tao Li Lab, Institute of Brain Science and Brain-inspired Research, Shandong First Medical University & Shandong Academy of Medical Sciences China
Classification: Uncertain significance for Chopra-Amiel-Gordon syndrome. Review status: no assertion criteria provided. Collection method: research. Allele origin: germline. Inheritance: Autosomal dominant inheritance. Affected: yes. Observed: 1 variant allele, 1 heterozygote. Not counted in ClinVar's aggregate classification.
Comment: Observed in affected individuals from a Pakistani neurodevelopmental-disorder research cohort of 263 individuals. Classification assigned using the ACMG/AMP framework. Population-frequency evidence: gnomAD AF 1.423e-05.